The following is an entry in ClinVar:

ClinVar aggregate classification (germline): Likely pathogenic (1 of 4 stars; one submission).

Conditions:
Fanconi anemia (FA). Also called: Fanconi's anemia. Identifiers: Orphanet 84, MedGen C0015625, MeSH D005199, MONDO:0019391.

Submission:

Natera, Inc.
Classification: Likely pathogenic for Fanconi anemia. Last evaluated: 2024-06-21. Review status: criteria provided, single submitter. Criteria: Natera Variant Classification Schema (03/2026). Collection method: clinical testing. Allele origin: germline.
Comment: The c.1783A>T variant in FANCA is a nonsense variant predicted to introduce a stop codon at amino acid 595. This variant is expected to result in nonsense mediated decay, truncation, or a dysfunctional protein product. This variant is rare in the general population with a frequency below the threshold expected for the associated phenotype(s). Given the available evidence, this variant is classified as Likely Pathogenic.

NM_000135.4(FANCA):c.1783A>T (p.Lys595Ter)

Gene: FANCA (FA complementation group A; minus strand). Cytogenetic location: 16q24.3.
Variant type: single nucleotide variant.
Coding change: c.1783A>T on transcript NM_000135.4 (MANE Select); coding-DNA position 1783, A replaced by T.
Protein change: p.Lys595Ter; replaces lysine 595 with a stop codon.
Molecular consequence: nonsense.
Genome position (GRCh38, 1-based): chr16:89,778,844, T>A on the plus strand (A>T on the coding strand, the complement: FANCA is on the minus strand). VCF-style: chr16-89778844-T-A. GRCh37 (hg19) VCF-style: chr16-89845252-T-A.
Other names: c.1783A>T, p.Lys595Ter (NM_001286167.3); short protein forms K595*.
Identifiers: ClinVar variation 4817514 (VCV004817514.1).